The following is an entry in ClinVar:

NM_020297.4(ABCC9):c.3892+2T>C

Genes: ABCC9 (ATP binding cassette subfamily C member 9; minus strand), KCNJ8-AS1 (KCNJ8 antisense RNA 1; plus strand). Cytogenetic location: 12p12.1.
Variant type: single nucleotide variant.
Coding change: c.3892+2T>C on transcript NM_020297.4 (MANE Select); the canonical splice donor site of the intron after coding-DNA position 3892, T replaced by C.
Molecular consequence: splice donor variant.
Genome position (GRCh38, 1-based): chr12:21,817,185, A>G on the plus strand (T>C on the coding strand, the complement: ABCC9 is on the minus strand). VCF-style: chr12-21817185-A-G. GRCh37 (hg19) VCF-style: chr12-21970119-A-G.
Other names: c.3025+2T>C (NM_001377274.1); c.3892+2T>C (NM_005691.4, NM_001377273.1).
Identifiers: ClinVar variation 3631543 (VCV003631543.2).
Genomic context (GRCh38, chr12:21,817,185, plus strand): 5'-CAAACACTAATATTTGTTTAAAATAAATATTTAAGTGAGACAAACAATATTTAGAGCAAT[A>G]CCCATTGTGCCTTCATAGTTCTCTGACTCCATAGTCAGGAAACTGTTCACCTTCTTCACT-3'

ClinVar aggregate classification (germline): Likely pathogenic (1 of 4 stars; one submission).

Conditions:
Dilated cardiomyopathy 1O (CMD1O). Also called: CARDIOMYOPATHY, DILATED, WITH VENTRICULAR TACHYCARDIA. Identifiers: Orphanet 154, MedGen C1837839, MONDO:0012062, OMIM 608569.

gnomAD v4.1: 2 of 1,613,180 alleles (0.00012%); highest among the groups gnomAD compares: Non-Finnish European, 0.00017%; no homozygotes.

Submission:

Labcorp Genetics (formerly Invitae), Labcorp
Classification: Likely pathogenic for Dilated cardiomyopathy 1O. Last evaluated: 2024-06-25. Review status: criteria provided, single submitter. Criteria: Invitae Variant Classification Sherloc (09022015). Collection method: clinical testing. Allele origin: germline.
Comment: This sequence change affects a donor splice site in intron 31 of the ABCC9 gene. It is expected to disrupt RNA splicing. Variants that disrupt the donor or acceptor splice site typically lead to a loss of protein function (PMID: 16199547), and loss-of-function variants in ABCC9 are known to be pathogenic (PMID: 31575858, 38217872). This variant is present in population databases (rs776082330, gnomAD 0.002%). This variant has not been reported in the literature in individuals affected with ABCC9-related conditions. Algorithms developed to predict the effect of sequence changes on RNA splicing suggest that this variant may disrupt the consensus splice site. In summary, the currently available evidence indicates that the variant is pathogenic, but additional data are needed to prove that conclusively. Therefore, this variant has been classified as Likely Pathogenic.

Literature cited by the submitters: PubMed 16199547; PubMed 31575858; PubMed 38217872.